The following is an entry in ClinVar:

NM_000313.4(PROS1):c.707T>G (p.Leu236Arg)

Gene: PROS1 (protein S; minus strand). Cytogenetic location: 3q11.1.
Variant type: single nucleotide variant.
Coding change: c.707T>G on transcript NM_000313.4 (MANE Select); coding-DNA position 707, T replaced by G.
Protein change: p.Leu236Arg; replaces leucine 236 with arginine.
Molecular consequence: missense variant.
Genome position (GRCh38, 1-based): chr3:93,900,824, A>C on the plus strand (T>G on the coding strand, the complement: PROS1 is on the minus strand). VCF-style: chr3-93900824-A-C. GRCh37 (hg19) VCF-style: chr3-93619668-A-C.
Other names: c.803T>G, p.Leu268Arg (NM_001314077.2); short protein forms L236R, L268R.
Identifiers: ClinVar variation 2086054 (VCV002086054.2), dbSNP rs778562750, ClinGen allele CA2503406.
Genomic context (GRCh38, chr3:93,900,824, plus strand): 5'-ACCCTCTCCACCATCAGTAATGATACCACCATCATCCTACCTTCACAAGACTTTGATTTG[A>C]GATTATATCTGTAGCCTTCGGGGCATTCACATTCAAAATCTCCTGGGATGTTCTTGCACA-3'
Protein context (NP_000304.2, residues 226-246): CECPEGYRYN[Leu236Arg]KSKSCEDIDE

ClinVar aggregate classification (germline): Uncertain significance (1 of 4 stars; one submission).

Conditions:
Thrombophilia due to protein S deficiency, autosomal recessive (THPH6). Identifiers: Orphanet 743, MedGen C3281092, MONDO:0013791, OMIM 614514. Disease mechanism: loss of function.

Allele frequency attached by ClinVar (database versions not stated): ExAC 0.00001; TOPMed 0.00002; gnomAD 0.00003; gnomAD exomes 0.00004.
gnomAD v4.1: 64 of 1,613,270 alleles (0.004%); highest among the groups gnomAD compares: Non-Finnish European, 0.0051%; no homozygotes.

Submission:

Labcorp Genetics (formerly Invitae), Labcorp
Classification: Uncertain significance for Thrombophilia due to protein S deficiency, autosomal recessive. Last evaluated: 2022-09-13. Review status: criteria provided, single submitter. Criteria: Invitae Variant Classification Sherloc (09022015). Collection method: clinical testing. Allele origin: germline.
Comment: This variant has not been reported in the literature in individuals affected with PROS1-related conditions. In summary, the available evidence is currently insufficient to determine the role of this variant in disease. Therefore, it has been classified as a Variant of Uncertain Significance. Advanced modeling of protein sequence and biophysical properties (such as structural, functional, and spatial information, amino acid conservation, physicochemical variation, residue mobility, and thermodynamic stability) performed at Invitae indicates that this missense variant is not expected to disrupt PROS1 protein function. This variant is present in population databases (rs778562750, gnomAD 0.006%). This sequence change replaces leucine, which is neutral and non-polar, with arginine, which is basic and polar, at codon 236 of the PROS1 protein (p.Leu236Arg).